The following is an entry in ClinVar:

NM_001170629.2(CHD8):c.751C>A (p.Gln251Lys)

Gene: CHD8 (chromodomain helicase DNA binding protein 8; minus strand). Cytogenetic location: 14q11.2.
Variant type: single nucleotide variant.
Coding change: c.751C>A on transcript NM_001170629.2 (MANE Select); coding-DNA position 751, C replaced by A.
Protein change: p.Gln251Lys; replaces glutamine 251 with lysine.
Molecular consequence: missense variant. On other transcripts: intron variant (1).
Genome position (GRCh38, 1-based): chr14:21,430,893, G>T on the plus strand (C>A on the coding strand, the complement: CHD8 is on the minus strand). VCF-style: chr14-21430893-G-T. GRCh37 (hg19) VCF-style: chr14-21899052-G-T.
Other names: c.6+918C>A (NM_020920.4); short protein forms Q251K.
Identifiers: ClinVar variation 5020511 (VCV005020511.1).

ClinVar aggregate classification (germline): Uncertain significance (1 of 4 stars; one submission).

gnomAD v4.1: 3 of 1,599,260 alleles (0.00019%); highest among the groups gnomAD compares: African/African-American, 0.004%; no homozygotes.

Submission:

Dasa
Classification: Uncertain significance. Last evaluated: 2026-08-07. Review status: criteria provided, single submitter. Criteria: DASA Assertion Criteria. Collection method: clinical testing. Allele origin: germline.
Comment: NM_001170629.2(CHD8):c.751C>A (p.Gln251Lys) is a missense variant that results in the substitution of glutamine with lysine. This variant is rare in population databases. The currently available literature and clinical evidence are not sufficient to establish a definitive association between this variant and the reported condition. Therefore, this variant is classified as a variant of uncertain significance.